The following is an entry in ClinVar:

NM_015557.3(CHD5):c.4875G>C (p.Thr1625=)

Gene: CHD5 (chromodomain helicase DNA binding protein 5; minus strand). Cytogenetic location: 1p36.31.
Variant type: single nucleotide variant.
Coding change: c.4875G>C on transcript NM_015557.3 (MANE Select); coding-DNA position 4875, G replaced by C.
Protein change: p.Thr1625=; no amino-acid change (threonine 1625 retained).
Molecular consequence: synonymous variant.
Genome position (GRCh38, 1-based): chr1:6,121,142, C>G on the plus strand (G>C on the coding strand, the complement: CHD5 is on the minus strand). VCF-style: chr1-6121142-C-G. GRCh37 (hg19) VCF-style: chr1-6181202-C-G.
Identifiers: ClinVar variation 4085330 (VCV004085330.8).

ClinVar aggregate classification (germline): Likely benign (1 of 4 stars; one submission).

Submission:

CeGaT Center for Human Genetics Tuebingen
Classification: Likely benign. Last evaluated: 2025-07-01. Review status: criteria provided, single submitter. Criteria: CeGaT Center For Human Genetics Tuebingen Variant Classification Criteria Version 2. Collection method: clinical testing. Allele origin: germline. Affected: yes. Observed: 1 variant allele.
Comment: CHD5: PM2:Supporting, BP4, BP7